The following is an entry in ClinVar:

NM_000289.6(PFKM):c.1192-217T>G

Gene: PFKM (phosphofructokinase, muscle; plus strand). Cytogenetic location: 12q13.11.
Variant type: single nucleotide variant.
Coding change: c.1192-217T>G on transcript NM_000289.6 (MANE Select); 217 bases into the intron before coding-DNA position 1192, T replaced by G.
Molecular consequence: intron variant.
Genome position (GRCh38, 1-based): chr12:48,140,505, T>G. VCF-style: chr12-48140505-T-G. GRCh37 (hg19) VCF-style: chr12-48534288-T-G.
Other names: c.1216-217T>G (NM_001354741.2); c.1192-217T>G (NM_001354742.2, NM_001354743.2, NM_001354744.2 and 2 more transcripts); c.1042-217T>G (NM_001354747.2, NM_001354748.2); c.1405-217T>G (NM_001166686.2, NM_001354737.1, NM_001354739.1 and 1 more transcripts); c.1501-217T>G (NM_001354736.1, NM_001354735.1); c.1336-217T>G (NM_001354740.1); c.1105-217T>G (NM_001354745.2); c.1066-217T>G (NM_001354746.2); and 1 more.
Identifiers: ClinVar variation 667847 (VCV000667847.2), dbSNP rs58556309, ClinGen allele CA15735752.
Genomic context (GRCh38, chr12:48,140,505, plus strand): 5'-GCTCTGGAAGGTCTCTCATTCATTGTATAATAATGATATCTGAGATGGGGGACAGCAGCT[T>G]TATTTATTGATCTGTGATCAAGAATTTTGCTTCCATGTATGTGGTAGCCAGCTGTGCTGG-3'

ClinVar aggregate classification (germline): Benign. Review status: criteria provided, multiple submitters, no conflicts (2 of 4 stars). 2 submissions from 2 submitters: Benign (2). Last evaluated 2018-06-19.

Allele frequency attached by ClinVar (database versions not stated): gnomAD 0.18721 and 0.19136; 1000 Genomes Project 0.18890; TOPMed 0.19290; 1000 Genomes Project 30x 0.19394.
gnomAD v4.1: 28,462 of 152,190 alleles (19%); highest among the groups gnomAD compares: African/African-American, 32%; 3,244 homozygotes.

Submissions (2):

GeneDx
Classification: Benign. Last evaluated: 2018-06-19. Review status: criteria provided, single submitter. Criteria: GeneDx Variant Classification (06012015). Collection method: clinical testing. Allele origin: germline. Affected: yes.
Comment: This variant is considered likely benign or benign based on one or more of the following criteria: it is a conservative change, it occurs at a poorly conserved position in the protein, it is predicted to be benign by multiple in silico algorithms, and/or has population frequency not consistent with disease.

Breakthrough Genomics
Classification: Benign. Review status: criteria provided, single submitter. Criteria: ACMG Guidelines, 2015. Collection method: not provided. Allele origin: germline. Inheritance: Autosomal recessive inheritance. Affected: yes.